The following is an entry in ClinVar:

NM_001374504.1(TMPRSS6):c.973+11del

Gene: TMPRSS6 (transmembrane serine protease 6; minus strand). Cytogenetic location: 22q12.3.
Variant type: Deletion.
Coding change: c.973+11del on transcript NM_001374504.1 (MANE Select); 11 bases into the intron after coding-DNA position 973, one base deleted (A; older notation c.973+11delA).
Molecular consequence: intron variant.
Genome position (GRCh38, 1-based): chr22:37,086,272, T deleted on the plus strand (A on the coding strand, the reverse complement: TMPRSS6 is on the minus strand). VCF-style (leftmost placement, unchanged base first): chr22-37086271-CT-C. GRCh37 (hg19) VCF-style: chr22-37482311-CT-C.
Other names: c.973+11del (NM_001289000.2, NM_001289001.2, NM_153609.4); c.1000+11delA (NM_153609.3).
Identifiers: ClinVar variation 341592 (VCV000341592.7), dbSNP rs780218999, ClinGen allele CA10215834.

ClinVar aggregate classification (germline): Likely benign (0 of 4 stars; one submission).

Conditions:
TMPRSS6-related disorder. Also called: TMPRSS6-related condition.

Allele frequency attached by ClinVar (database versions not stated): gnomAD exomes 0.00001 and 0.00005; ExAC 0.00003; gnomAD 0.00003 and 0.00004; TOPMed 0.00006.

Submission:

PreventionGenetics, part of Exact Sciences
Classification: Likely benign for TMPRSS6-related condition. Last evaluated: 2021-01-12. Review status: no assertion criteria provided. Collection method: clinical testing. Allele origin: germline.
Comment: This variant is classified as likely benign based on ACMG/AMP sequence variant interpretation guidelines (Richards et al. 2015 PMID: 25741868, with internal and published modifications).